The following is an entry in ClinVar:

NM_000142.5(FGFR3):c.1224C>T (p.Ser408=)

Gene: FGFR3 (fibroblast growth factor receptor 3; plus strand). Cytogenetic location: 4p16.3.
Variant type: single nucleotide variant.
Coding change: c.1224C>T on transcript NM_000142.5 (MANE Select); coding-DNA position 1224, C replaced by T.
Protein change: p.Ser408=; no amino-acid change (serine 408 retained).
Molecular consequence: synonymous variant. On other transcripts: non-coding transcript variant (1), intron variant (1).
Genome position (GRCh38, 1-based): chr4:1,804,478, C>T. VCF-style: chr4-1804478-C-T. GRCh37 (hg19) VCF-style: chr4-1806205-C-T.
Other names: c.1230C>T, p.Ser410= (NM_001163213.2); c.1224C>T, p.Ser408= (NM_001354809.2, NM_001354810.2); c.931-346C>T (NM_022965.4).
Identifiers: ClinVar variation 3061579 (VCV003061579.2), dbSNP rs769903615, ClinGen allele CA2810307.
Genomic context (GRCh38, chr4:1,804,478, plus strand): 5'-GGTGGTGGCGGCTGTGACGCTCTGCCGCCTGCGCAGCCCCCCCAAGAAAGGCCTGGGCTC[C>T]CCCACCGTGCACAAGATCTCCCGCTTCCCGCTCAAGCGACAGGTAACAGAAAGTAGATAC-3'
Protein context (NP_000133.1, residues 398-418): LRSPPKKGLG[Ser408=]PTVHKISRFP

ClinVar aggregate classification (germline): Likely benign (0 of 4 stars; one submission).

Conditions:
FGFR3-related disorder. Also called: FGFR3-related disorders.

Allele frequency attached by ClinVar (database versions not stated): gnomAD 0.00002.
gnomAD v4.1: 13 of 1,613,132 alleles (0.00081%); highest among the groups gnomAD compares: East Asian, 0.018%; no homozygotes.

Submission:

PreventionGenetics, part of Exact Sciences
Classification: Likely benign for FGFR3-related condition. Last evaluated: 2021-10-08. Review status: no assertion criteria provided. Collection method: clinical testing. Allele origin: germline.
Comment: This variant is classified as likely benign based on ACMG/AMP sequence variant interpretation guidelines (Richards et al. 2015 PMID: 25741868, with internal and published modifications).